The following is an entry in ClinVar:

ClinVar aggregate classification (germline): Uncertain significance. Review status: criteria provided, multiple submitters, no conflicts (2 of 4 stars). 3 submissions from 3 submitters: Uncertain significance (3). Last evaluated 2026-07-15.

Conditions:
PDE6C-related disorder. Also called: PDE6C-related condition.
Inborn genetic diseases. Identifiers: MedGen C0950123, MeSH D030342.

Allele frequency attached by ClinVar (database versions not stated): gnomAD 0.00001; gnomAD exomes 0.00001; TOPMed 0.00001; ExAC 0.00002.
gnomAD v4.1: 10 of 1,613,952 alleles (0.00062%); highest among the groups gnomAD compares: East Asian, 0.0067%; no homozygotes.

Submissions (3):

PreventionGenetics, part of Exact Sciences
Classification: Uncertain significance for PDE6C-related condition. Last evaluated: 2026-07-15. Review status: criteria provided, single submitter. Criteria: ACMG Guidelines, 2015. Collection method: clinical testing. Allele origin: germline.
Comment: The PDE6C c.1501C>T variant is predicted to result in the amino acid substitution p.Pro501Ser. To our knowledge, this variant has not been reported in the literature. This variant is present in 0.0054% of alleles in individuals of East Asian descent in gnomAD. At this time, the clinical significance of this variant is uncertain due to the absence of conclusive functional and genetic evidence.

Ambry Genetics
Classification: Uncertain significance for Inborn genetic diseases. Last evaluated: 2025-09-25. Review status: criteria provided, single submitter. Criteria: Ambry Variant Classification Scheme 2023. Collection method: clinical testing. Allele origin: germline.

Labcorp Genetics (formerly Invitae), Labcorp
Classification: Uncertain significance. Last evaluated: 2023-08-24. Review status: criteria provided, single submitter. Criteria: Invitae Variant Classification Sherloc (09022015). Collection method: clinical testing. Allele origin: germline.
Comment: This variant has not been reported in the literature in individuals affected with PDE6C-related conditions. This variant is present in population databases (rs752301568, gnomAD 0.006%). This sequence change replaces proline, which is neutral and non-polar, with serine, which is neutral and polar, at codon 501 of the PDE6C protein (p.Pro501Ser). ClinVar contains an entry for this variant (Variation ID: 1960407). In summary, the available evidence is currently insufficient to determine the role of this variant in disease. Therefore, it has been classified as a Variant of Uncertain Significance. Advanced modeling of protein sequence and biophysical properties (such as structural, functional, and spatial information, amino acid conservation, physicochemical variation, residue mobility, and thermodynamic stability) performed at Invitae indicates that this missense variant is not expected to disrupt PDE6C protein function.

NM_006204.4(PDE6C):c.1501C>T (p.Pro501Ser)

Gene: PDE6C (phosphodiesterase 6C; plus strand). Cytogenetic location: 10q23.33.
Variant type: single nucleotide variant.
Coding change: c.1501C>T on transcript NM_006204.4 (MANE Select); coding-DNA position 1501, C replaced by T.
Protein change: p.Pro501Ser; replaces proline 501 with serine.
Molecular consequence: missense variant.
Genome position (GRCh38, 1-based): chr10:93,640,088, C>T. VCF-style: chr10-93640088-C-T. GRCh37 (hg19) VCF-style: chr10-95399845-C-T.
Other names: short protein forms P501S.
Identifiers: ClinVar variation 1960407 (VCV001960407.8), dbSNP rs752301568, ClinGen allele CA5610217.